The following is an entry in ClinVar:

NM_006445.4(PRPF8):c.7003_*27del (p.Ala2335_Ter2336del)

Gene: PRPF8 (pre-mRNA processing factor 8; minus strand). Cytogenetic location: 17p13.3.
Variant type: Deletion.
Coding change: c.7003_*27del on transcript NM_006445.4 (MANE Select); coding-DNA position 7003 through 27 bases downstream of the stop codon, 33 bases deleted.
Protein change: p.Ala2335_Ter2336del.
Molecular consequence: stop lost, inframe deletion.
Genome position (GRCh38, 1-based): chr17:1,650,775-1,650,807, 33 bases deleted; deleting any 33 consecutive bases within chr17:1,650,775-1,650,808 gives the same sequence; the c. name uses the placement nearest the transcript's 3' end. GRCh37 (hg19): chr17:1,554,070-1,554,102.
Identifiers: ClinVar variation 2013491 (VCV002013491.4), dbSNP rs2543709261, ClinGen allele CA2580092430.
Genomic context (GRCh38, chr17:1,650,774, plus strand): 5'-AAGAGGCCAAACTGCTGAATGTCAGCGGCCTGTCTGGAGGGGCTGAGGCTTCGGCCTCGG[GAGGCTGAAGCAGGAGGCAGGGAAACGGTCAGGC>G]ATACAGGTCCTCCCGATCCGCAGAGTAAACCTCCCCCTCCTGCAGGAGAGCAAAGTTGAG-3'

ClinVar aggregate classification (germline): Uncertain significance (1 of 4 stars; one submission).

Submission:

Labcorp Genetics (formerly Invitae), Labcorp
Classification: Uncertain significance. Last evaluated: 2022-07-03. Review status: criteria provided, single submitter. Criteria: Invitae Variant Classification Sherloc (09022015). Collection method: clinical testing. Allele origin: germline.
Comment: In summary, the available evidence is currently insufficient to determine the role of this variant in disease. Therefore, it has been classified as a Variant of Uncertain Significance. Experimental studies and prediction algorithms are not available or were not evaluated, and the functional significance of this variant is currently unknown. This variant has not been reported in the literature in individuals affected with PRPF8-related conditions. This variant is not present in population databases (gnomAD no frequency). This variant, c.7003_*27del, is a complex sequence change that results in the deletion of 1 and insertion of 31 amino acid(s) in the PRPF8 protein (p.Ala2335delins31).